The following is an entry in ClinVar:

NM_018344.6(SLC29A3):c.687C>T (p.Ser229=)

Gene: SLC29A3 (solute carrier family 29 member 3; plus strand). Cytogenetic location: 10q22.1.
Variant type: single nucleotide variant.
Coding change: c.687C>T on transcript NM_018344.6 (MANE Select); coding-DNA position 687, C replaced by T.
Protein change: p.Ser229=; no amino-acid change (serine 229 retained).
Molecular consequence: synonymous variant. On other transcripts: non-coding transcript variant (2).
Genome position (GRCh38, 1-based): chr10:71,356,157, C>T. VCF-style: chr10-71356157-C-T. GRCh37 (hg19) VCF-style: chr10-73115914-C-T.
Other names: c.687C>T, p.Ser229= (NM_001174098.2); c.453C>T, p.Ser151= (NM_001363518.2).
Identifiers: ClinVar variation 595592 (VCV000595592.45), dbSNP rs113542201, ClinGen allele CA5543019.

ClinVar aggregate classification (germline): Conflicting classifications of pathogenicity. Review status: criteria provided, conflicting classifications (1 of 4 stars). 6 submissions from 6 submitters: Uncertain significance (1); Benign (1); Likely benign (3). 1 of the submissions does not count toward it. Last evaluated 2026-01-22.

Conditions:
SLC29A3-related disorder. Also called: SLC29A3-related condition.
H syndrome. Also called: Asrar Facharzt Haque syndrome; Pigmented hypertrichosis and insulin-dependent diabetes mellitus; HISTIOCYTOSIS AND LYMPHADENOPATHY WITH OR WITHOUT CUTANEOUS, CARDIAC, AND/OR ENDOCRINE FEATURES, JOINT CONTRACTURES, AND/OR DEAFNESS; HYPERPIGMENTATION, CUTANEOUS, WITH HYPERTRICHOSIS, HEPATOSPLENOMEGALY, HEART ANOMALIES, AND HYPOGONADISM WITH OR WITHOUT HEARING LOSS; PIGMENTED HYPERTRICHOSIS WITH INSULIN-DEPENDENT DIABETES MELLITUS; ROSAI-DORFMAN DISEASE, FAMILIAL. Identifiers: Orphanet 168569, MedGen C1864445, MONDO:0011273, OMIM 602782.

Allele frequency attached by ClinVar (database versions not stated): gnomAD exomes 0.00015 and 0.00032; ExAC 0.00040; gnomAD 0.00133 and 0.00142; 1000 Genomes Project 0.00160; TOPMed 0.00164; 1000 Genomes Project 30x 0.00172; ESP Exome Variant Server 0.00200.
gnomAD v4.1: 437 of 1,614,156 alleles (0.027%); highest among the groups gnomAD compares: African/African-American, 0.53%; no homozygotes.

Submissions (6):

Labcorp Genetics (formerly Invitae), Labcorp
Classification: Benign for H syndrome. Last evaluated: 2026-01-22. Review status: criteria provided, single submitter. Criteria: Invitae Variant Classification Sherloc (09022015). Collection method: clinical testing. Allele origin: germline.

Blueprint Genetics
Classification: Likely benign. Last evaluated: 2024-09-02. Review status: criteria provided, single submitter. Criteria: ACMG Guidelines, 2015. Collection method: clinical testing. Allele origin: germline.

CeGaT Center for Human Genetics Tuebingen
Classification: Likely benign. Last evaluated: 2022-05-01. Review status: criteria provided, single submitter. Criteria: CeGaT Center For Human Genetics Tuebingen Variant Classification Criteria Version 2. Collection method: clinical testing. Allele origin: germline. Affected: yes. Observed: 1 variant allele.
Comment: SLC29A3: BP4, BP7

Illumina Laboratory Services, Illumina
Classification: Likely benign for H syndrome. Last evaluated: 2018-01-13. Review status: criteria provided, single submitter. Criteria: ICSL Variant Classification Criteria 13 December 2019. Collection method: clinical testing. Allele origin: germline.
Comment: This variant was observed in the ICSL laboratory as part of a predisposition screen in an ostensibly healthy population. It had not been previously curated by ICSL or reported in the Human Gene Mutation Database (HGMD: prior to June 1st, 2018), and was therefore a candidate for classification through an automated scoring system. Utilizing variant allele frequency, disease prevalence and penetrance estimates, and inheritance mode, an automated score was calculated to assess if this variant is too frequent to cause the disease. Based on the score and internal cut-off values, a variant classified as likely benign is not then subjected to further curation. The score for this variant resulted in a classification of likely benign for this disease.

Eurofins Ntd Llc (ga)
Classification: Uncertain significance. Last evaluated: 2018-01-12. Review status: criteria provided, single submitter. Criteria: EGL Classification Definitions 2015. Collection method: clinical testing. Allele origin: germline. Observed: 1 variant allele, 1 heterozygote.

PreventionGenetics, part of Exact Sciences
Classification: Likely benign for SLC29A3-related condition. Last evaluated: 2024-02-01. Review status: no assertion criteria provided. Collection method: clinical testing. Allele origin: germline. Not counted in ClinVar's aggregate classification.
Comment: This variant is classified as likely benign based on ACMG/AMP sequence variant interpretation guidelines (Richards et al. 2015 PMID: 25741868, with internal and published modifications).